The following is an entry in ClinVar:

NM_001303256.3(MORC2):c.3064G>A (p.Ala1022Thr)

Gene: MORC2 (MORC family CW-type zinc finger 2; minus strand). Cytogenetic location: 22q12.2.
Variant type: single nucleotide variant.
Coding change: c.3064G>A on transcript NM_001303256.3 (MANE Select); coding-DNA position 3064, G replaced by A.
Protein change: p.Ala1022Thr; replaces alanine 1022 with threonine.
Molecular consequence: missense variant.
Genome position (GRCh38, 1-based): chr22:30,926,838, C>T on the plus strand (G>A on the coding strand, the complement: MORC2 is on the minus strand). VCF-style: chr22-30926838-C-T. GRCh37 (hg19) VCF-style: chr22-31322825-C-T.
Other names: c.3055G>A, p.Ala1019Thr (NM_001303257.2); c.2878G>A, p.Ala960Thr (NM_014941.3); short protein forms A1019T, A960T, A1022T.
Identifiers: ClinVar variation 2873794 (VCV002873794.3), dbSNP rs12330040, ClinGen allele CA411228735.

ClinVar aggregate classification (germline): Uncertain significance (1 of 4 stars; one submission).

Conditions:
Charcot-Marie-Tooth disease axonal type 2Z. Also called: CHARCOT-MARIE-TOOTH DISEASE, AXONAL, AUTOSOMAL DOMINANT, TYPE 2Z; CHARCOT-MARIE-TOOTH NEUROPATHY, TYPE 2Z. Identifiers: Orphanet 466768, MedGen C5569025, MONDO:0014736, OMIM 616688.

Allele frequency attached by ClinVar (database versions not stated): gnomAD exomes below 0.00001.
gnomAD v4.1: 6 of 1,613,694 alleles (0.00037%); highest among the groups gnomAD compares: Admixed American, 0.0017%; no homozygotes.

Submission:

Labcorp Genetics (formerly Invitae), Labcorp
Classification: Uncertain significance for Charcot-Marie-Tooth disease axonal type 2Z. Last evaluated: 2024-09-23. Review status: criteria provided, single submitter. Criteria: Invitae Variant Classification Sherloc (09022015). Collection method: clinical testing. Allele origin: germline.
Comment: This sequence change replaces alanine, which is neutral and non-polar, with threonine, which is neutral and polar, at codon 1022 of the MORC2 protein (p.Ala1022Thr). The frequency data for this variant in the population databases is considered unreliable, as metrics indicate poor data quality at this position in the gnomAD database. This variant has not been reported in the literature in individuals affected with MORC2-related conditions. Invitae Evidence Modeling of protein sequence and biophysical properties (such as structural, functional, and spatial information, amino acid conservation, physicochemical variation, residue mobility, and thermodynamic stability) indicates that this missense variant is not expected to disrupt MORC2 protein function with a negative predictive value of 95%. In summary, the available evidence is currently insufficient to determine the role of this variant in disease. Therefore, it has been classified as a Variant of Uncertain Significance.